The following is an entry in ClinVar:

ClinVar aggregate classification (germline): Uncertain significance. Review status: criteria provided, multiple submitters, no conflicts (2 of 4 stars). 2 submissions from 2 submitters: Uncertain significance (2). Last evaluated 2022-10-25.

Conditions:
Peroxisome biogenesis disorder 11A (Zellweger). Also called: Peroxisome biogenesis disorder 11A. Identifiers: Orphanet 912, MedGen C3554000, MONDO:0013949, OMIM 614883.
Inborn genetic diseases. Identifiers: MedGen C0950123, MeSH D030342.

Allele frequency attached by ClinVar (database versions not stated): TOPMed below 0.00001; gnomAD 0.00001; gnomAD exomes 0.00001 and 0.00003.
gnomAD v4.1: 50 of 1,614,086 alleles (0.0031%); highest among the groups gnomAD compares: Non-Finnish European, 0.0039%; no homozygotes.

Submissions (2):

Labcorp Genetics (formerly Invitae), Labcorp
Classification: Uncertain significance for Peroxisome biogenesis disorder 11A (Zellweger). Last evaluated: 2022-10-25. Review status: criteria provided, single submitter. Criteria: Invitae Variant Classification Sherloc (09022015). Collection method: clinical testing. Allele origin: germline.
Comment: This sequence change replaces asparagine, which is neutral and polar, with threonine, which is neutral and polar, at codon 207 of the PEX13 protein (p.Asn207Thr). This variant is present in population databases (no rsID available, gnomAD 0.002%). This variant has not been reported in the literature in individuals affected with PEX13-related conditions. ClinVar contains an entry for this variant (Variation ID: 1022319). Advanced modeling of protein sequence and biophysical properties (such as structural, functional, and spatial information, amino acid conservation, physicochemical variation, residue mobility, and thermodynamic stability) performed at Invitae indicates that this missense variant is not expected to disrupt PEX13 protein function. In summary, the available evidence is currently insufficient to determine the role of this variant in disease. Therefore, it has been classified as a Variant of Uncertain Significance.

Ambry Genetics
Classification: Uncertain significance for Inborn genetic diseases. Last evaluated: 2021-08-02. Review status: criteria provided, single submitter. Criteria: Ambry Variant Classification Scheme 2023. Collection method: clinical testing. Allele origin: germline.

NM_002618.4(PEX13):c.620A>C (p.Asn207Thr)

Gene: PEX13 (peroxisomal biogenesis factor 13; plus strand). Cytogenetic location: 2p15.
Variant type: single nucleotide variant.
Coding change: c.620A>C on transcript NM_002618.4 (MANE Select); coding-DNA position 620, A replaced by C.
Protein change: p.Asn207Thr; replaces asparagine 207 with threonine.
Molecular consequence: missense variant.
Genome position (GRCh38, 1-based): chr2:61,031,946, A>C. VCF-style: chr2-61031946-A-C. GRCh37 (hg19) VCF-style: chr2-61259081-A-C.
Other names: c.620A>C (NM_002618.3); short protein forms N207T.
Identifiers: ClinVar variation 1022319 (VCV001022319.6), dbSNP rs1316575619, ClinGen allele CA346944078.